The following is an entry in ClinVar:

ClinVar aggregate classification (germline): Uncertain significance (1 of 4 stars; one submission).

Conditions:
Hereditary cancer-predisposing syndrome. Also called: Hereditary neoplastic syndrome; Neoplastic Syndromes, Hereditary; Tumor predisposition; Hereditary Cancer Syndrome. Identifiers: Orphanet 140162, MedGen C0027672, MeSH D009386, MONDO:0015356.
Cardiovascular phenotype. Identifiers: MedGen CN230736.

Submission:

Ambry Genetics
Classification: Uncertain significance for Cardiovascular phenotype; Hereditary cancer-predisposing syndrome. Last evaluated: 2025-02-15. Review status: criteria provided, single submitter. Criteria: Ambry Variant Classification Scheme 2023. Collection method: clinical testing. Allele origin: germline.
Comment: The p.A79V variant (also known as c.236C>T), located in coding exon 2 of the LZTR1 gene, results from a C to T substitution at nucleotide position 236. The alanine at codon 79 is replaced by valine, an amino acid with similar properties. This amino acid position is conserved. In addition, this alteration is predicted to be tolerated by in silico analysis. Based on the available evidence, the clinical significance of this variant remains unclear.

NM_006767.4(LZTR1):c.236C>T (p.Ala79Val)

Gene: LZTR1 (leucine zipper like post translational regulator 1; plus strand). Cytogenetic location: 22q11.21.
Variant type: single nucleotide variant.
Coding change: c.236C>T on transcript NM_006767.4 (MANE Select); coding-DNA position 236, C replaced by T.
Protein change: p.Ala79Val; replaces alanine 79 with valine.
Molecular consequence: missense variant.
Genome position (GRCh38, 1-based): chr22:20,983,062, C>T. VCF-style: chr22-20983062-C-T. GRCh37 (hg19) VCF-style: chr22-21337351-C-T.
Other names: short protein forms A79V.
Identifiers: ClinVar variation 3869231 (VCV003869231.1).